The following is an entry in ClinVar:

NM_022455.5(NSD1):c.2385dup (p.Glu796fs)

Gene: NSD1 (nuclear receptor binding SET domain protein 1; plus strand). Cytogenetic location: 5q35.3.
Variant type: Duplication.
Coding change: c.2385dup on transcript NM_022455.5 (MANE Select); coding-DNA position 2385, one base duplicated (A; older notation c.2385dupA).
Protein change: p.Glu796fs; shifts the reading frame from glutamic acid 796.
Molecular consequence: frameshift variant.
Genome position (GRCh38, 1-based): chr5:177,210,784, A duplicated; the last of 3 consecutive A bases (chr5:177,210,782-177,210,784); duplicating any one gives the same sequence. VCF-style (leftmost placement, unchanged base first): chr5-177210781-C-CA. GRCh37 (hg19) VCF-style: chr5-176637782-C-CA.
Other names: c.1512dup, p.Glu505fs (NM_001409307.1, NM_001409308.1, NM_001409309.1 and 3 more transcripts); c.2385dup, p.Glu796fs (NM_001409301.1, NM_001409302.1, NM_001409303.1); c.1965dup, p.Glu656fs (NM_001409304.1); c.1632dup, p.Glu545fs (NM_001409305.1); short protein forms E505fs, E545fs, E656fs, E796fs.
Identifiers: ClinVar variation 4292709 (VCV004292709.1).

ClinVar aggregate classification (germline): Likely pathogenic (1 of 4 stars; one submission).

Conditions:
Sotos syndrome (SOTOS). Also called: CEREBRAL GIGANTISM; Sotos' syndrome; Distinctive facial appearance, overgrowth in childhood, and learning disabilities or delayed development; SOTOS SYNDROME 1; CHROMOSOME 5q35 DELETION SYNDROME. Identifiers: Orphanet 821, MedGen C0175695, MONDO:0019349, OMIM 117550.

Submission:

3billion
Classification: Likely pathogenic for Sotos syndrome. Last evaluated: 2024-12-21. Review status: criteria provided, single submitter. Criteria: ACMG Guidelines, 2015. Collection method: clinical testing. Allele origin: germline. Affected: yes.
Comment: The variant is not observed in the gnomAD v4.1.0 dataset. Predicted Consequence/Location: Frameshift: predicted to result in a loss or disruption of normal protein function through nonsense-mediated decay (NMD) or protein truncation. Multiple pathogenic variants are reported downstream of the variant. Therefore, this variant is classified as Likely pathogenic according to the recommendation of ACMG/AMP guideline.